The following is an entry in ClinVar:

NM_000238.4(KCNH2):c.3161C>T (p.Thr1054Ile)

Gene: KCNH2 (potassium voltage-gated channel subfamily H member 2; minus strand). Cytogenetic location: 7q36.1.
Variant type: single nucleotide variant.
Coding change: c.3161C>T on transcript NM_000238.4 (MANE Select); coding-DNA position 3161, C replaced by T.
Protein change: p.Thr1054Ile; replaces threonine 1054 with isoleucine.
Molecular consequence: missense variant.
Genome position (GRCh38, 1-based): chr7:150,947,046, G>A on the plus strand (C>T on the coding strand, the complement: KCNH2 is on the minus strand). VCF-style: chr7-150947046-G-A. GRCh37 (hg19) VCF-style: chr7-150644134-G-A.
Other names: c.2141C>T, p.Thr714Ile (NM_172057.3); short protein forms T714I, T1054I.
Identifiers: ClinVar variation 527001 (VCV000527001.8), dbSNP rs1554423904, ClinGen allele CA369852384.

ClinVar aggregate classification (germline): Uncertain significance (1 of 4 stars; one submission).

Conditions:
Long QT syndrome (LQTS). Identifiers: MedGen C0023976, MeSH D008133, MONDO:0002442. Disease mechanism: loss of function. Inheritance: Various modes of inheritance.

Submission:

Labcorp Genetics (formerly Invitae), Labcorp
Classification: Uncertain significance for Long QT syndrome. Last evaluated: 2017-11-16. Review status: criteria provided, single submitter. Criteria: Invitae Variant Classification Sherloc (09022015). Collection method: clinical testing. Allele origin: germline.
Comment: This variant has not been reported in the literature in individuals with KCNH2-related disease. This variant is not present in population databases (ExAC no frequency). This sequence change replaces threonine with isoleucine at codon 1054 of the KCNH2 protein (p.Thr1054Ile). The threonine residue is weakly conserved and there is a moderate physicochemical difference between threonine and isoleucine. Algorithms developed to predict the effect of missense changes on protein structure and function do not agree on the potential impact of this missense change (SIFT: "Deleterious"; PolyPhen-2: "Probably Damaging"; Align-GVGD: "Class C0"). In summary, the available evidence is currently insufficient to determine the role of this variant in disease. Therefore, it has been classified as a Variant of Uncertain Significance.